The following is an entry in ClinVar:

ClinVar aggregate classification (germline): Likely benign. Review status: criteria provided, multiple submitters, no conflicts (2 of 4 stars). 2 submissions from 2 submitters: Likely benign (2). Last evaluated 2023-03-21.

Allele frequency attached by ClinVar (database versions not stated): TOPMed below 0.00001.

Submissions (2):

Blueprint Genetics
Classification: Likely benign. Last evaluated: 2023-03-21. Review status: criteria provided, single submitter. Criteria: ACMG Guidelines, 2015. Collection method: clinical testing. Allele origin: germline.

CeGaT Center for Human Genetics Tuebingen
Classification: Likely benign. Last evaluated: 2022-08-01. Review status: criteria provided, single submitter. Criteria: CeGaT Center For Human Genetics Tuebingen Variant Classification Criteria Version 2. Collection method: clinical testing. Allele origin: germline. Affected: yes. Observed: 1 variant allele.
Comment: CACNA1E: PM2:Supporting, BP4, BP7

NM_001205293.3(CACNA1E):c.1714C>A (p.Arg572=)

Gene: CACNA1E (calcium voltage-gated channel subunit alpha1 E; plus strand). Cytogenetic location: 1q25.3.
Variant type: single nucleotide variant.
Coding change: c.1714C>A on transcript NM_001205293.3 (MANE Select); coding-DNA position 1714, C replaced by A.
Protein change: p.Arg572=; no amino-acid change (arginine 572 retained).
Molecular consequence: synonymous variant.
Genome position (GRCh38, 1-based): chr1:181,719,826, C>A. VCF-style: chr1-181719826-C-A. GRCh37 (hg19) VCF-style: chr1-181688962-C-A.
Other names: c.1714C>A, p.Arg572= (NM_000721.4, NM_001205294.2).
Identifiers: ClinVar variation 2639609 (VCV002639609.25), dbSNP rs1304400250, ClinGen allele CA422071265.